The following is an entry in ClinVar:

ClinVar aggregate classification (germline): Uncertain significance (0 of 4 stars; one submission).

Conditions:
SEMA3F-related disorder. Also called: SEMA3F-related condition.

Submission:

PreventionGenetics, part of Exact Sciences
Classification: Uncertain significance for SEMA3F-related condition. Last evaluated: 2024-02-22. Review status: no assertion criteria provided. Collection method: clinical testing. Allele origin: germline.
Comment: The SEMA3F c.209A>T variant is predicted to result in the amino acid substitution p.Tyr70Phe. To our knowledge, this variant has not been reported in the literature or in a large population database, indicating this variant is rare. At this time, the clinical significance of this variant is uncertain due to the absence of conclusive functional and genetic evidence.

NM_004186.5(SEMA3F):c.209A>T (p.Tyr70Phe)

Gene: SEMA3F (semaphorin 3F; plus strand). Cytogenetic location: 3p21.31.
Variant type: single nucleotide variant.
Coding change: c.209A>T on transcript NM_004186.5 (MANE Select); coding-DNA position 209, A replaced by T.
Protein change: p.Tyr70Phe; replaces tyrosine 70 with phenylalanine.
Molecular consequence: missense variant.
Genome position (GRCh38, 1-based): chr3:50,173,889, A>T. VCF-style: chr3-50173889-A-T. GRCh37 (hg19) VCF-style: chr3-50211322-A-T.
Other names: c.5A>T, p.Tyr2Phe (NM_001318798.2); c.209A>T, p.Tyr70Phe (NM_001318800.2); short protein forms Y2F, Y70F.
Identifiers: ClinVar variation 3348010 (VCV003348010.1).